The following is an entry in ClinVar:

ClinVar aggregate classification (germline): Benign/Likely benign. Review status: criteria provided, multiple submitters, no conflicts (2 of 4 stars). 8 submissions from 7 submitters: Benign (6); Likely benign (2). Last evaluated 2025-08-22.

Conditions:
Pseudohypoaldosteronism, type IB1, autosomal recessive. Also called: PHA I, AUTOSOMAL RECESSIVE; Autosomal recessive pseudohypoaldosteronism type 1; Pseudohypoaldosteronism, Type I, Autosomal Recessive; Pseudohypoaldosteronism, Type I, Recessive. Identifiers: Orphanet 171876, Orphanet 756, MedGen C5774176, MONDO:0009917, OMIM 264350.
Liddle syndrome 3. Identifiers: MedGen C4748292, MONDO:0029132, OMIM 618126.
Bronchiectasis with or without elevated sweat chloride 2 (BESC2). Identifiers: Orphanet 60033, MedGen C2751666, MONDO:0013087, OMIM 613021.

Allele frequency attached by ClinVar (database versions not stated): 1000 Genomes Project 30x 0.00640; 1000 Genomes Project 0.00719; ESP Exome Variant Server 0.01285; TOPMed 0.01787; gnomAD 0.01850 and 0.01886; gnomAD exomes 0.01861; ExAC 0.02019.
gnomAD v4.1: 43,178 of 1,611,956 alleles (2.7%); highest among the groups gnomAD compares: Non-Finnish European, 3.2%; 731 homozygotes.

Submissions (8):

Mayo Clinic Laboratories, Mayo Clinic
Classification: Benign. Last evaluated: 2025-08-22. Review status: criteria provided, single submitter. Criteria: ACMG Guidelines, 2015. Collection method: clinical testing. Allele origin: germline. Observed: 2 variant alleles.
Comment: BA1, BP4, BP7

Blueprint Genetics
Classification: Likely benign. Last evaluated: 2024-11-27. Review status: criteria provided, single submitter. Criteria: ACMG Guidelines, 2015. Collection method: clinical testing. Allele origin: germline.

Fulgent Genetics
Classification: Likely benign for Pseudohypoaldosteronism, type IB1, autosomal recessive; Bronchiectasis with or without elevated sweat chloride 2; Liddle syndrome 3. Last evaluated: 2021-11-20. Review status: criteria provided, single submitter. Criteria: ACMG Guidelines, 2015. Collection method: clinical testing. Allele origin: unknown.

GeneDx
Classification: Benign. Last evaluated: 2020-02-27. Review status: criteria provided, single submitter. Criteria: GeneDx Variant Classification Process June 2021. Collection method: clinical testing. Allele origin: germline. Affected: yes.

Illumina Laboratory Services, Illumina
Classification: Benign for Pseudohypoaldosteronism, type IB1, autosomal recessive. Last evaluated: 2018-01-13. Review status: criteria provided, single submitter. Criteria: ICSL Variant Classification Criteria 13 December 2019. Collection method: clinical testing. Allele origin: germline.
Comment: This variant was observed in the ICSL laboratory as part of a predisposition screen in an ostensibly healthy population. It had not been previously curated by ICSL or reported in the Human Gene Mutation Database (HGMD: prior to June 1st, 2018), and was therefore a candidate for classification through an automated scoring system. Utilizing variant allele frequency, disease prevalence and penetrance estimates, and inheritance mode, an automated score was calculated to assess if this variant is too frequent to cause the disease. Based on the score and internal cut-off values, a variant classified as benign is not then subjected to further curation. The score for this variant resulted in a classification of benign for this disease.

Illumina Laboratory Services, Illumina
Classification: Benign for Bronchiectasis with or without elevated sweat chloride 2. Last evaluated: 2018-01-13. Review status: criteria provided, single submitter. Criteria: ICSL Variant Classification Criteria 13 December 2019. Collection method: clinical testing. Allele origin: germline.
Comment: the same text as in the submission from Illumina Laboratory Services, Illumina above.

Eurofins Ntd Llc (ga)
Classification: Benign. Last evaluated: 2015-02-24. Review status: criteria provided, single submitter. Criteria: EGL Classification Definitions 2015. Collection method: clinical testing. Allele origin: germline. Observed: 1 variant allele, 1 heterozygote.

Breakthrough Genomics
Classification: Benign. Review status: criteria provided, single submitter. Criteria: ACMG Guidelines, 2015. Collection method: not provided. Allele origin: germline. Inheritance: Autosomal recessive inheritance. Affected: yes.

NM_001038.6(SCNN1A):c.540G>T (p.Leu180=)

Gene: SCNN1A (sodium channel epithelial 1 subunit alpha; minus strand). Cytogenetic location: 12p13.31.
Variant type: single nucleotide variant.
Coding change: c.540G>T on transcript NM_001038.6 (MANE Select); coding-DNA position 540, G replaced by T.
Protein change: p.Leu180=; no amino-acid change (leucine 180 retained).
Molecular consequence: synonymous variant.
Genome position (GRCh38, 1-based): chr12:6,363,587, C>A on the plus strand (G>T on the coding strand, the complement: SCNN1A is on the minus strand). VCF-style: chr12-6363587-C-A. GRCh37 (hg19) VCF-style: chr12-6472753-C-A.
Other names: p.Leu180=; c.609G>T, p.Leu203= (NM_001159575.2); c.717G>T, p.Leu239= (NM_001159576.2).
Identifiers: ClinVar variation 196304 (VCV000196304.14), dbSNP rs55859427, ClinGen allele CA202270.